The following is an entry in ClinVar:

ClinVar aggregate classification (germline): Likely benign. Review status: criteria provided, multiple submitters, no conflicts (2 of 4 stars). 4 submissions from 4 submitters: Likely benign (3). 1 of the submissions does not count toward it. Last evaluated 2026-03-01.

Conditions:
RYR1-related disorder. Also called: RYR1-related disorders; RYR1-related condition. Identifiers: MedGen CN239331.
Malignant hyperthermia, susceptibility to, 1 (MHS1). Also called: Anesthesia related hyperthermia; Malignant hyperpyrexia; Fulminating hyperpyrexia; Pharmacogenic myopathy; RYR1-Related Malignant Hyperthermia Susceptibility; Malignant hyperthermia suceptibility 1. Identifiers: Orphanet 423, MedGen C2930980, MONDO:0007783, OMIM 145600.

Allele frequency attached by ClinVar (database versions not stated): gnomAD 0.00003 and 0.00004; gnomAD exomes 0.00003; ExAC 0.00004; TOPMed 0.00006; ESP Exome Variant Server 0.00008.
gnomAD v4.1: 118 of 1,613,676 alleles (0.0073%); highest among the groups gnomAD compares: African/African-American, 0.0093%; no homozygotes.

Submissions (4):

CeGaT Center for Human Genetics Tuebingen
Classification: Likely benign. Last evaluated: 2026-03-01. Review status: criteria provided, single submitter. Criteria: CeGaT Center For Human Genetics Tuebingen Variant Classification Criteria Version 2. Collection method: clinical testing. Allele origin: germline. Affected: yes. Observed: 1 variant allele.
Comment: RYR1: BP4, BP7

Labcorp Genetics (formerly Invitae), Labcorp
Classification: Likely benign for RYR1-related disorder. Last evaluated: 2025-10-14. Review status: criteria provided, single submitter. Criteria: Invitae Variant Classification Sherloc (09022015). Collection method: clinical testing. Allele origin: germline.

Color Diagnostics, LLC DBA Color Health
Classification: Likely benign for Malignant hyperthermia, susceptibility to, 1. Last evaluated: 2023-11-15. Review status: criteria provided, single submitter. Criteria: ACMG Guidelines, 2015. Collection method: clinical testing. Allele origin: germline.

PreventionGenetics, part of Exact Sciences
Classification: Likely benign for RYR1-related condition. Last evaluated: 2023-07-06. Review status: no assertion criteria provided. Collection method: clinical testing. Allele origin: germline. Not counted in ClinVar's aggregate classification.
Comment: This variant is classified as likely benign based on ACMG/AMP sequence variant interpretation guidelines (Richards et al. 2015 PMID: 25741868, with internal and published modifications).

NM_000540.3(RYR1):c.549C>T (p.Thr183=)

Gene: RYR1 (ryanodine receptor 1; plus strand). Cytogenetic location: 19q13.2.
Variant type: single nucleotide variant.
Coding change: c.549C>T on transcript NM_000540.3 (MANE Select); coding-DNA position 549, C replaced by T.
Protein change: p.Thr183=; no amino-acid change (threonine 183 retained).
Molecular consequence: synonymous variant.
Genome position (GRCh38, 1-based): chr19:38,444,595, C>T. VCF-style: chr19-38444595-C-T. GRCh37 (hg19) VCF-style: chr19-38935235-C-T.
Other names: c.549C>T, p.Thr183= (NM_001042723.2).
Identifiers: ClinVar variation 699480 (VCV000699480.16), dbSNP rs147707866, ClinGen allele CA067200.